The following is an entry in ClinVar:

NM_005045.4(RELN):c.8411T>C (p.Val2804Ala)

Genes: RELN (reelin; minus strand), SLC26A5-AS1 (SLC26A5 antisense RNA 1; plus strand). Cytogenetic location: 7q22.1.
Variant type: single nucleotide variant.
Coding change: c.8411T>C on transcript NM_005045.4 (MANE Select); coding-DNA position 8411, T replaced by C.
Protein change: p.Val2804Ala; replaces valine 2804 with alanine.
Molecular consequence: missense variant.
Genome position (GRCh38, 1-based): chr7:103,503,094, A>G on the plus strand (T>C on the coding strand, the complement: RELN is on the minus strand). VCF-style: chr7-103503094-A-G. GRCh37 (hg19) VCF-style: chr7-103143541-A-G.
Other names: c.8411T>C, p.Val2804Ala (NM_173054.3); short protein forms V2804A.
Identifiers: ClinVar variation 653465 (VCV000653465.9), dbSNP rs192835206, ClinGen allele CA163913343.

ClinVar aggregate classification (germline): Uncertain significance (1 of 4 stars; one submission).

Conditions:
Norman-Roberts syndrome (LIS2). Also called: Lissencephaly 2 (Norman-Roberts type). Identifiers: Orphanet 89844, MedGen C0796089, MONDO:0009760, OMIM 257320.
Familial temporal lobe epilepsy 7. Identifiers: Orphanet 101046, MedGen C4225327, MONDO:0014639, OMIM 616436.

Allele frequency attached by ClinVar (database versions not stated): gnomAD 0.00001; 1000 Genomes Project 0.00020; 1000 Genomes Project 30x 0.00031.
gnomAD v4.1: 1 of 1,614,156 alleles (0.000062%); highest among the groups gnomAD compares: Admixed American, 0.0017%; no homozygotes.

Submission:

Labcorp Genetics (formerly Invitae), Labcorp
Classification: Uncertain significance for Familial temporal lobe epilepsy 7; Norman-Roberts syndrome. Last evaluated: 2023-12-11. Review status: criteria provided, single submitter. Criteria: Invitae Variant Classification Sherloc (09022015). Collection method: clinical testing. Allele origin: germline.
Comment: This sequence change replaces valine, which is neutral and non-polar, with alanine, which is neutral and non-polar, at codon 2804 of the RELN protein (p.Val2804Ala). This variant is not present in population databases (gnomAD no frequency). This variant has not been reported in the literature in individuals affected with RELN-related conditions. ClinVar contains an entry for this variant (Variation ID: 653465). Advanced modeling of protein sequence and biophysical properties (such as structural, functional, and spatial information, amino acid conservation, physicochemical variation, residue mobility, and thermodynamic stability) performed at Invitae indicates that this missense variant is not expected to disrupt RELN protein function with a negative predictive value of 80%. In summary, the available evidence is currently insufficient to determine the role of this variant in disease. Therefore, it has been classified as a Variant of Uncertain Significance.